The following is an entry in ClinVar:

ClinVar aggregate classification (germline): Pathogenic/Likely pathogenic. Review status: criteria provided, multiple submitters, no conflicts (2 of 4 stars). 3 submissions from 3 submitters: Pathogenic (2); Likely pathogenic (1). Last evaluated 2025-12-21.

Conditions:
Hereditary spastic paraplegia 4. Also called: Spastic paraplegia 4, autosomal dominant; Spastic Paraplegia 4; Familial spastic paraplegia autosomal dominant 2. Identifiers: Orphanet 100985, MedGen C1866855, MONDO:0008438, OMIM 182601.

Allele frequency attached by ClinVar (database versions not stated): gnomAD exomes below 0.00001.

Submissions (3):

Labcorp Genetics (formerly Invitae), Labcorp
Classification: Pathogenic for Hereditary spastic paraplegia 4. Last evaluated: 2025-12-21. Review status: criteria provided, single submitter. Criteria: Invitae Variant Classification Sherloc (09022015). Collection method: clinical testing. Allele origin: germline.
Comment: This sequence change creates a premature translational stop signal (p.Tyr269*) in the SPAST gene. It is expected to result in an absent or disrupted protein product. Loss-of-function variants in SPAST are known to be pathogenic (PMID: 20932283). This variant is not present in population databases (gnomAD no frequency). This premature translational stop signal has been observed in individual(s) with spastic paraplegia (PMID: 11087788, 16684598). This variant is also known as 710insA. ClinVar contains an entry for this variant (Variation ID: 3027438). For these reasons, this variant has been classified as Pathogenic.

CeGaT Center for Human Genetics Tuebingen
Classification: Pathogenic. Last evaluated: 2024-06-01. Review status: criteria provided, single submitter. Criteria: CeGaT Center For Human Genetics Tuebingen Variant Classification Criteria Version 2. Collection method: clinical testing. Allele origin: germline. Affected: yes. Observed: 1 variant allele.
Comment: SPAST: PVS1, PM2, PS4:Supporting

Human Genetics Bochum, Ruhr University Bochum
Classification: Likely pathogenic for Hereditary spastic paraplegia 4. Last evaluated: 2023-08-15. Review status: criteria provided, single submitter. Criteria: ACMG Guidelines, 2015. Collection method: clinical testing. Allele origin: germline. Affected: yes.
Comment: ACMG criteria used to clasify this variant: PVS1, PM2_SUP

Literature cited by the submitters: PubMed 20932283 (cited by Labcorp Genetics (formerly Invitae), Labcorp); PubMed 11087788 (cited by Labcorp Genetics (formerly Invitae), Labcorp); PubMed 16684598 (cited by Labcorp Genetics (formerly Invitae), Labcorp); PubMed 10699187 (cited by Human Genetics Bochum, Ruhr University Bochum).

NM_014946.4(SPAST):c.806dup (p.Tyr269Ter)

Gene: SPAST (spastin; plus strand). Cytogenetic location: 2p22.3.
Variant type: Duplication.
Coding change: c.806dup on transcript NM_014946.4 (MANE Select); coding-DNA position 806, one base duplicated (A; older notation c.806dupA).
Protein change: p.Tyr269Ter; replaces tyrosine 269 with a stop codon.
Molecular consequence: nonsense.
Genome position (GRCh38, 1-based): chr2:32,114,761, A duplicated. VCF-style (leftmost placement, unchanged base first): chr2-32114760-T-TA. GRCh37 (hg19) VCF-style: chr2-32339829-T-TA.
Other names: c.803dup, p.Tyr268Ter (NM_001363823.2); c.707dup, p.Tyr236Ter (NM_001363875.2); c.710dup, p.Tyr237Ter (NM_001377959.1, NM_199436.2); short protein forms Y236*, Y237*, Y268*, Y269*.
Identifiers: ClinVar variation 3027438 (VCV003027438.20), dbSNP rs2465835384, ClinGen allele CA2586964644.
Genomic context (GRCh38, chr2:32,114,760, plus strand): 5'-TCAAAAACAGTTATGAAAACTGGATCTGCAGGCCTTTCAGGCCACCATAGAGCACCTAGT[T>TA]ACAGTGGTTTATCCATGGTTTCTGGAGTGAAACAGGGATCTGGTCCTGCTCCTACCACTC-3'